The following is an entry in ClinVar:

NM_005445.4(SMC3):c.2308A>G (p.Met770Val)

Gene: SMC3 (structural maintenance of chromosomes 3; plus strand). Cytogenetic location: 10q25.2.
Variant type: single nucleotide variant.
Coding change: c.2308A>G on transcript NM_005445.4 (MANE Select); coding-DNA position 2308, A replaced by G.
Protein change: p.Met770Val; replaces methionine 770 with valine.
Molecular consequence: missense variant.
Genome position (GRCh38, 1-based): chr10:110,599,693, A>G. VCF-style: chr10-110599693-A-G. GRCh37 (hg19) VCF-style: chr10-112359451-A-G.
Other names: short protein forms M770V.
Identifiers: ClinVar variation 3768646 (VCV003768646.2).
Genomic context (GRCh38, chr10:110,599,693, plus strand): 5'-TAAATGGATAATGTCATATAGCAACGTAGCTTACAGAGTTTGGAGGCAAGCTTGCATGCT[A>G]TGGAGTCTACCAGAGAGTCATTGAAAGCAGAACTGGGAACTGATTTGCTTTCTCAACTGA-3'
Protein context (NP_005436.1, residues 760-780): LQSLEASLHA[Met770Val]ESTRESLKAE

ClinVar aggregate classification (germline): Uncertain significance. Review status: criteria provided, multiple submitters, no conflicts (2 of 4 stars). 2 submissions from 2 submitters: Uncertain significance (2). Last evaluated 2025-10-17.

Conditions:
Inborn genetic diseases. Identifiers: MedGen C0950123, MeSH D030342.

Submissions (2):

Ambry Genetics
Classification: Uncertain significance for Inborn genetic diseases. Last evaluated: 2025-10-17. Review status: criteria provided, single submitter. Criteria: Ambry Variant Classification Scheme 2023. Collection method: clinical testing. Allele origin: germline.
Comment: The c.2308A>G (p.M770V) alteration is located in exon 21 (coding exon 21) of the SMC3 gene. This alteration results from a A to G substitution at nucleotide position 2308, causing the methionine (M) at amino acid position 770 to be replaced by a valine (V). Based on data from gnomAD, the G allele has an overall frequency of <0.001% (1/251384) total alleles studied. The highest observed frequency was 0.005% (1/18394) of East Asian alleles. Based on insufficient or conflicting evidence, the clinical significance of this alteration remains unclear.

Women's Health and Genetics/Laboratory Corporation of America, LabCorp
Classification: Uncertain significance. Last evaluated: 2025-02-10. Review status: criteria provided, single submitter. Criteria: LabCorp Variant Classification Summary - May 2015. Collection method: clinical testing. Allele origin: germline.
Comment: Variant summary: SMC3 c.2308A>G (p.Met770Val) results in a conservative amino acid change in the encoded protein sequence. Four of five in-silico tools predict a benign effect of the variant on protein function. The variant allele was found at a frequency of 4e-06 in 251384 control chromosomes (gnomAD). The available data on variant occurrences in the general population are insufficient to allow any conclusion about variant significance. To our knowledge, no occurrence of c.2308A>G in individuals affected with Cornelia De Lange Syndrome 3 and no experimental evidence demonstrating its impact on protein function have been reported. No submitters have cited clinical-significance assessments for this variant to ClinVar. Based on the evidence outlined above, the variant was classified as uncertain significance.